The following is an entry in ClinVar:

NM_001301820.1(ARMC5):c.21A>C (p.Pro7=)

Genes: ARMC5 (armadillo repeat containing 5; plus strand), LOC130058905 (ATAC-STARR-seq lymphoblastoid active region 10764; plus strand). Cytogenetic location: 16p11.2.
Variant type: single nucleotide variant.
Coding change: c.21A>C on transcript NM_001301820.1; coding-DNA position 21, A replaced by C.
Protein change: p.Pro7=; no amino-acid change (proline 7 retained).
Molecular consequence: synonymous variant. On other transcripts: 5 prime UTR variant (1), intron variant (1).
Genome position (GRCh38, 1-based): chr16:31,459,322, A>C. VCF-style: chr16-31459322-A-C. GRCh37 (hg19) VCF-style: chr16-31470643-A-C.
Other names: c.-203A>C (NM_024742.2); c.229-146A>C (NM_001288767.2).
Identifiers: ClinVar variation 3028967 (VCV003028967.2), dbSNP rs1473909978, ClinGen allele CA494746591.

ClinVar aggregate classification (germline): Likely benign (0 of 4 stars; one submission).

Conditions:
ARMC5-related disorder. Also called: ARMC5-related condition.

Allele frequency attached by ClinVar (database versions not stated): gnomAD 0.00001; gnomAD exomes 0.00001; TOPMed below 0.00001.
gnomAD v4.1: 7 of 1,534,936 alleles (0.00046%); highest among the groups gnomAD compares: Non-Finnish European, 0.00061%; no homozygotes.

Submission:

PreventionGenetics, part of Exact Sciences
Classification: Likely benign for ARMC5-related condition. Last evaluated: 2022-02-01. Review status: no assertion criteria provided. Collection method: clinical testing. Allele origin: germline.
Comment: This variant is classified as likely benign based on ACMG/AMP sequence variant interpretation guidelines (Richards et al. 2015 PMID: 25741868, with internal and published modifications).